The following is an entry in ClinVar:

ClinVar aggregate classification (germline): Pathogenic. Review status: criteria provided, multiple submitters, no conflicts (2 of 4 stars). 3 submissions from 3 submitters: Pathogenic (3). Last evaluated 2025-06-01.

Conditions:
Xeroderma pigmentosum, group E (XPE). Also called: XERODERMA PIGMENTOSUM V; XP, GROUP E; DDB2-Related Xeroderma Pigmentosum; Xeroderma pigmentosum, complementation group E; Xeroderma pigmentosum, complementation group E, DDB-negative form; Xeroderma pigmentosum, group E, DDB-negative subtype. Identifiers: Orphanet 910, MedGen C1848411, MONDO:0010213, OMIM 278740.

gnomAD v4.1: 38 of 1,613,956 alleles (0.0024%); highest among the groups gnomAD compares: Non-Finnish European, 0.0032%; no homozygotes.

Submissions (3):

CeGaT Center for Human Genetics Tuebingen
Classification: Pathogenic. Last evaluated: 2025-06-01. Review status: criteria provided, single submitter. Criteria: CeGaT Center For Human Genetics Tuebingen Variant Classification Criteria Version 2. Collection method: clinical testing. Allele origin: germline. Affected: yes. Observed: 1 variant allele.
Comment: DDB2: PVS1, PM2, PM3:Supporting

Labcorp Genetics (formerly Invitae), Labcorp
Classification: Pathogenic. Last evaluated: 2024-11-18. Review status: criteria provided, single submitter. Criteria: Invitae Variant Classification Sherloc (09022015). Collection method: clinical testing. Allele origin: germline.
Comment: This sequence change creates a premature translational stop signal (p.Arg355*) in the DDB2 gene. It is expected to result in an absent or disrupted protein product. Loss-of-function variants in DDB2 are known to be pathogenic (PMID: 10469312, 26884178). This variant is present in population databases (no rsID available, gnomAD 0.003%). This premature translational stop signal has been observed in individual(s) with xeroderma pigmentosum (PMID: 32530099). For these reasons, this variant has been classified as Pathogenic.

Juno Genomics, Hangzhou Juno Genomics, Inc
Classification: Pathogenic for Xeroderma pigmentosum, group E. Review status: criteria provided, single submitter. Criteria: ACMG Guidelines, 2015. Collection method: clinical testing. Allele origin: germline.
Comment: Absent from controls (or at extremely low frequency if recessive) in Genome Aggregation Database.;Null variant in a gene where loss of function (LOF) is a known mechanism of disease.;For recessive disorders, detected in trans with a pathogenic variant.

Literature cited by the submitters: PubMed 10469312 (cited by Labcorp Genetics (formerly Invitae), Labcorp); PubMed 26884178 (cited by Labcorp Genetics (formerly Invitae), Labcorp); PubMed 32530099 (cited by Labcorp Genetics (formerly Invitae), Labcorp).

NM_000107.3(DDB2):c.1063C>T (p.Arg355Ter)

Gene: DDB2 (damage specific DNA binding protein 2; plus strand). Cytogenetic location: 11p11.2.
Variant type: single nucleotide variant.
Coding change: c.1063C>T on transcript NM_000107.3 (MANE Select); coding-DNA position 1063, C replaced by T.
Protein change: p.Arg355Ter; replaces arginine 355 with a stop codon.
Molecular consequence: nonsense. On other transcripts: non-coding transcript variant (2).
Genome position (GRCh38, 1-based): chr11:47,237,876, C>T. VCF-style: chr11-47237876-C-T. GRCh37 (hg19) VCF-style: chr11-47259427-C-T.
Other names: c.496C>T, p.Arg166Ter (NM_001300734.2, NM_001399876.1); c.1063C>T, p.Arg355Ter (NM_001399874.1, NM_001399875.1); c.871C>T, p.Arg291Ter (NM_001399878.1); short protein forms R166*, R291*, R355*.
Identifiers: ClinVar variation 3711370 (VCV003711370.11).